The following is an entry in ClinVar:

NM_000179.3(MSH6):c.807dup (p.Lys270Ter)

Gene: MSH6 (mutS homolog 6; plus strand). Cytogenetic location: 2p16.3.
Variant type: Duplication.
Coding change: c.807dup on transcript NM_000179.3 (MANE Select); coding-DNA position 807, one base duplicated (T; older notation c.807dupT).
Protein change: p.Lys270Ter; replaces lysine 270 with a stop codon.
Molecular consequence: nonsense. On other transcripts: 5 prime UTR variant (9), non-coding transcript variant (4), intron variant (1), frameshift variant (1).
Genome position (GRCh38, 1-based): chr2:47,798,790, T duplicated. VCF-style (leftmost placement, unchanged base first): chr2-47798789-C-CT. GRCh37 (hg19) VCF-style: chr2-48025928-C-CT.
Other names: c.417dup, p.Lys140Ter (NM_001281492.2); c.-100dup (NM_001281493.2, NM_001281494.2, NM_001406811.1 and 6 more transcripts); c.903dup, p.Lys302Ter (NM_001406795.1, NM_001406802.1); c.807dup, p.Lys270Ter (NM_001406796.1, NM_001406798.1, NM_001406800.1 and 4 more transcripts); c.510dup, p.Lys171Ter (NM_001406797.1, NM_001406801.1, NM_001406805.1 and 10 more transcripts); c.282dup, p.Lys95Ter (NM_001406799.1, NM_001406806.1, NM_001406807.1); c.729dup, p.Lys244Ter (NM_001406804.1); c.813dup, p.Lys272Ter (NM_001406813.1); and 3 more; short protein forms K272*, K270*, K95*, K214*, K244*, K302*, K140*, K171*.
Identifiers: ClinVar variation 2453194 (VCV002453194.4), dbSNP rs2530572310, ClinGen allele CA2580067242.

ClinVar aggregate classification (germline): Pathogenic. Review status: criteria provided, multiple submitters, no conflicts (2 of 4 stars). 2 submissions from 2 submitters: Pathogenic (2). Last evaluated 2023-06-29.

Conditions:
Hereditary cancer-predisposing syndrome. Also called: Neoplastic Syndromes, Hereditary; Tumor predisposition; Hereditary neoplastic syndrome; Hereditary Cancer Syndrome. Identifiers: Orphanet 140162, MedGen C0027672, MeSH D009386, MONDO:0015356.
Lynch syndrome 5 (LYNCH5). Also called: Colorectal cancer, hereditary nonpolyposis, type 5; Hereditary non-polyposis colorectal cancer, type 5. Identifiers: Orphanet 144, MedGen C1833477, MONDO:0013710, OMIM 614350. Disease mechanism: loss of function.

Submissions (2):

Myriad Genetics, Inc.
Classification: Pathogenic for Lynch syndrome 5. Last evaluated: 2023-06-29. Review status: criteria provided, single submitter. Criteria: Myriad Autosomal Dominant, Autosomal Recessive and X-Linked Classification Criteria (2023). Collection method: clinical testing. Allele origin: unknown.
Comment: This variant is considered pathogenic. This variant creates a termination codon and is predicted to result in premature protein truncation.

Ambry Genetics
Classification: Pathogenic for Hereditary cancer-predisposing syndrome. Last evaluated: 2023-01-27. Review status: criteria provided, single submitter. Criteria: Ambry Variant Classification Scheme 2023. Collection method: clinical testing. Allele origin: germline.
Comment: The c.807dupT pathogenic mutation, located in coding exon 4 of the MSH6 gene, results from a duplication of T at nucleotide position 807, causing a translational frameshift with a predicted alternate stop codon (p.K270*). This variant is considered to be rare based on population cohorts in the Genome Aggregation Database (gnomAD). This alteration is expected to result in loss of function by premature protein truncation or nonsense-mediated mRNA decay. As such, this alteration is interpreted as a disease-causing mutation.